The following is an entry in ClinVar:

ClinVar aggregate classification (germline): other (0 of 4 stars; one submission).

Conditions:
Familial colorectal cancer. Identifiers: MedGen CN280943, MONDO:0023113. Disease mechanism: loss of function.

Submission:

Systems Biology Platform Zhejiang California International NanoSystems Institute
Classification: other for Familial colorectal cancer. Review status: no assertion criteria provided. Collection method: not provided. Allele origin: unknown.
ClinVar note: Converted during submission from cancer to other.

NM_000038.6(APC):c.136-2830T>A

Gene: APC (APC regulator of WNT signaling pathway; plus strand). Cytogenetic location: 5q22.2.
Variant type: single nucleotide variant.
Coding change: c.136-2830T>A on transcript NM_000038.6 (MANE Select); 2830 bases into the intron before coding-DNA position 136, T replaced by A.
Molecular consequence: intron variant.
Genome position (GRCh38, 1-based): chr5:112,763,496, T>A. VCF-style: chr5-112763496-T-A. GRCh37 (hg19) VCF-style: chr5-112099193-T-A.
Other names: c.136-2830T>A (NM_001354895.2, NM_001127510.3, NM_001354896.2 and 2 more transcripts); c.166-2830T>A (NM_001354897.2, NM_001354902.2, NM_001127511.3); c.61-2830T>A (NM_001354898.2, NM_001354904.2); c.-900-2830T>A (NM_001354906.2); c.-42-2830T>A (NM_001354900.2, NM_001354901.2, NM_001354905.2).
Identifiers: ClinVar variation 82851 (VCV000082851.2), dbSNP rs76113999, ClinGen allele CA004642.
Genomic context (GRCh38, chr5:112,763,496, plus strand): 5'-TAGGTACAGCTAAAAAATGCTATGGTTTATTTAATACTTATTGTTGGACATCTGAATTTA[T>A]ATGGCTTTTTAATTTCTTTTTTTAGTATTTTAAGTTTTTATTATTTCTTTTTAAAAAGAC-3'